The following is an entry in ClinVar:

NM_001127222.2(CACNA1A):c.2695C>T (p.Arg899Cys)

Gene: CACNA1A (calcium voltage-gated channel subunit alpha1 A; minus strand). Cytogenetic location: 19p13.13.
Variant type: single nucleotide variant.
Coding change: c.2695C>T on transcript NM_001127222.2 (MANE Select); coding-DNA position 2695, C replaced by T.
Protein change: p.Arg899Cys; replaces arginine 899 with cysteine.
Molecular consequence: missense variant.
Genome position (GRCh38, 1-based): chr19:13,298,938, G>A on the plus strand (C>T on the coding strand, the complement: CACNA1A is on the minus strand). VCF-style: chr19-13298938-G-A. GRCh37 (hg19) VCF-style: chr19-13409752-G-A.
Other names: c.2707C>T, p.Arg903Cys (NM_000068.4, NM_023035.3); c.2698C>T, p.Arg900Cys (NM_001127221.2, NM_001174080.2); short protein forms R899C, R900C, R903C.
Identifiers: ClinVar variation 2636563 (VCV002636563.1), dbSNP rs1273247307, ClinGen allele CA404342906.

ClinVar aggregate classification (germline): Uncertain significance (1 of 4 stars; one submission).

Conditions:
CACNA1A-related disorder. Also called: CACNA1A-related condition.

Allele frequency attached by ClinVar (database versions not stated): gnomAD exomes below 0.00001.
gnomAD v4.1: 1 of 1,593,174 alleles (0.000063%); highest among the groups gnomAD compares: Non-Finnish European, 0.000085%; no homozygotes.

Submission:

PreventionGenetics, part of Exact Sciences
Classification: Uncertain significance for CACNA1A-related condition. Last evaluated: 2022-09-01. Review status: criteria provided, single submitter. Criteria: ACMG Guidelines, 2015. Collection method: clinical testing. Allele origin: germline.
Comment: The CACNA1A c.2695C>T variant is predicted to result in the amino acid substitution p.Arg899Cys. To our knowledge, this variant has not been reported in the literature or in a large population database, indicating this variant is rare. At this time, the clinical significance of this variant is uncertain due to the absence of conclusive functional and genetic evidence.